The following is an entry in ClinVar:

ClinVar aggregate classification (germline): Uncertain significance (1 of 4 stars; one submission).

Conditions:
SPART-related disorder. Also called: SPART-related condition.

Allele frequency attached by ClinVar (database versions not stated): TOPMed 0.00001; gnomAD 0.00004; gnomAD exomes 0.00005; 1000 Genomes Project 30x 0.00016; ExAC 0.00017; 1000 Genomes Project 0.00020.
gnomAD v4.1: 87 of 1,614,008 alleles (0.0054%); highest among the groups gnomAD compares: Non-Finnish European, 0.0011%; 1 homozygote.

Submission:

PreventionGenetics, part of Exact Sciences
Classification: Uncertain significance for SPART-related condition. Last evaluated: 2022-11-18. Review status: criteria provided, single submitter. Criteria: ACMG Guidelines, 2015. Collection method: clinical testing. Allele origin: germline.
Comment: The SPART c.499C>T variant is predicted to result in the amino acid substitution p.Pro167Ser. To our knowledge, this variant has not been reported in the literature. This variant is reported in 0.092% of alleles in individuals of European (Finnish) descent in gnomAD. Although we suspect that this variant may be benign, at this time, the clinical significance of this variant is uncertain due to the absence of conclusive functional and genetic evidence.

NM_015087.5(SPART):c.499C>T (p.Pro167Ser)

Gene: SPART (spartin; minus strand). Cytogenetic location: 13q13.3.
Variant type: single nucleotide variant.
Coding change: c.499C>T on transcript NM_015087.5 (MANE Select); coding-DNA position 499, C replaced by T.
Protein change: p.Pro167Ser; replaces proline 167 with serine.
Molecular consequence: missense variant.
Genome position (GRCh38, 1-based): chr13:36,335,332, G>A on the plus strand (C>T on the coding strand, the complement: SPART is on the minus strand). VCF-style: chr13-36335332-G-A. GRCh37 (hg19) VCF-style: chr13-36909469-G-A.
Other names: c.499C>T, p.Pro167Ser (NM_001142294.2, NM_001142295.2, NM_001142296.2); short protein forms P167S.
Identifiers: ClinVar variation 2635828 (VCV002635828.1), dbSNP rs189618640, ClinGen allele CA6949627.